The following is an entry in ClinVar:

ClinVar aggregate classification (germline): Pathogenic (1 of 4 stars; one submission).

Conditions:
DICER1-related tumor predisposition. Also called: DICER1 syndrome; DICER1-related pleuropulmonary blastoma cancer predisposition syndrome. Identifiers: Orphanet 284343, MedGen C3839822, MONDO:0100216.

Submission:

Labcorp Genetics (formerly Invitae), Labcorp
Classification: Pathogenic for DICER1-related tumor predisposition. Last evaluated: 2021-06-09. Review status: criteria provided, single submitter. Criteria: Invitae Variant Classification Sherloc (09022015). Collection method: clinical testing. Allele origin: germline.
Comment: For these reasons, this variant has been classified as Pathogenic. This sequence change creates a premature translational stop signal (p.Glu733*) in the DICER1 gene. It is expected to result in an absent or disrupted protein product. Loss-of-function variants in DICER1 are known to be pathogenic (PMID: 19556464, 21266384). This variant is not present in population databases (ExAC no frequency). This variant has not been reported in the literature in individuals with DICER1-related conditions.

Literature cited by the submitters: PubMed 19556464; PubMed 21266384.

NM_177438.3(DICER1):c.2197G>T (p.Glu733Ter)

Gene: DICER1 (dicer 1, ribonuclease III; minus strand). Cytogenetic location: 14q32.13.
Variant type: single nucleotide variant.
Coding change: c.2197G>T on transcript NM_177438.3 (MANE Select); coding-DNA position 2197, G replaced by T.
Protein change: p.Glu733Ter; replaces glutamic acid 733 with a stop codon.
Molecular consequence: nonsense.
Genome position (GRCh38, 1-based): chr14:95,111,376, C>A on the plus strand (G>T on the coding strand, the complement: DICER1 is on the minus strand). VCF-style: chr14-95111376-C-A. GRCh37 (hg19) VCF-style: chr14-95577713-C-A.
Other names: c.2197G>T, p.Glu733Ter (NM_001195573.1, NM_001271282.3, NM_001291628.2 and 1 more transcripts); short protein forms E733*.
Identifiers: ClinVar variation 1453140 (VCV001453140.7), dbSNP rs2140067638, ClinGen allele CA390882636.